The following is an entry in ClinVar:

NM_005188.2:c.1227+20insC

Gene: CBL (Cbl proto-oncogene; plus strand). Cytogenetic location: 11q23.3.
Variant type: Insertion.
Identifiers: ClinVar variation 180806 (VCV000180806.1).

ClinVar aggregate classification (germline): Benign (1 of 4 stars; one submission).

Conditions:
RASopathy. Also called: rasopathies; Noonan spectrum disorder. Identifiers: Orphanet 536391, MedGen C5555857, MONDO:0021060.

Submission:

GeneDx
Classification: Benign for Rasopathy. Last evaluated: 2013-01-07. Review status: criteria provided, single submitter. Criteria: GeneDx Variant Classification (06012015). Collection method: clinical testing. Allele origin: germline. Affected: yes.
Comment: The variant is found in NOONAN panel(s).